The following is an entry in ClinVar:

NM_001242896.3(DEPDC5):c.359G>A (p.Ser120Asn)

Gene: DEPDC5 (DEP domain containing 5, GATOR1 subcomplex subunit; plus strand). Cytogenetic location: 22q12.2.
Variant type: single nucleotide variant.
Coding change: c.359G>A on transcript NM_001242896.3 (MANE Select); coding-DNA position 359, G replaced by A.
Protein change: p.Ser120Asn; replaces serine 120 with asparagine.
Molecular consequence: missense variant. On other transcripts: non-coding transcript variant (5), intron variant (2).
Genome position (GRCh38, 1-based): chr22:31,766,664, G>A. VCF-style: chr22-31766664-G-A. GRCh37 (hg19) VCF-style: chr22-32162650-G-A.
Other names: c.359G>A, p.Ser120Asn (NM_001007188.4, NM_001136029.4, NM_001242897.2 and 7 more transcripts); c.279+1604G>A (NM_001369902.1, NM_001369901.1); short protein forms S120N.
Identifiers: ClinVar variation 3358443 (VCV003358443.1).

ClinVar aggregate classification (germline): Uncertain significance (0 of 4 stars; one submission).

Conditions:
DEPDC5-related disorder. Also called: DEPDC5-related related disorder; DEPDC5-related condition.

gnomAD v4.1: 1 of 1,612,884 alleles (0.000062%); highest among the groups gnomAD compares: Non-Finnish European, 0.000085%; no homozygotes.

Submission:

PreventionGenetics, part of Exact Sciences
Classification: Uncertain significance for DEPDC5-related condition. Last evaluated: 2024-05-01. Review status: no assertion criteria provided. Collection method: clinical testing. Allele origin: germline.
Comment: The DEPDC5 c.359G>A variant is predicted to result in the amino acid substitution p.Ser120Asn. To our knowledge, this variant has not been reported in the literature or in a large population database, indicating this variant is rare. At this time, the clinical significance of this variant is uncertain due to the absence of conclusive functional and genetic evidence.